The following is an entry in ClinVar:

ClinVar aggregate classification (germline): Uncertain significance. Review status: criteria provided, multiple submitters, no conflicts (2 of 4 stars). 2 submissions from 2 submitters: Uncertain significance (2). Last evaluated 2022-03-18.

Conditions:
Intellectual developmental disorder, X-linked, syndromic 14. Also called: Syndromic X-linked intellectual disability 14. Identifiers: Orphanet 776, MedGen C1970822, MONDO:0010398, OMIM 300676.

Allele frequency attached by ClinVar (database versions not stated): TOPMed 0.00002; gnomAD 0.00001.
gnomAD v4.1: 1 of 1,209,235 alleles (0.000083%); highest among the groups gnomAD compares: Non-Finnish European, 0.00011%; no homozygotes.

Submissions (2):

Labcorp Genetics (formerly Invitae), Labcorp
Classification: Uncertain significance for Intellectual developmental disorder, X-linked, syndromic 14. Last evaluated: 2022-03-18. Review status: criteria provided, single submitter. Criteria: Invitae Variant Classification Sherloc (09022015). Collection method: clinical testing. Allele origin: germline.
Comment: This sequence change replaces lysine, which is basic and polar, with glutamic acid, which is acidic and polar, at codon 397 of the UPF3B protein (p.Lys397Glu). In summary, the available evidence is currently insufficient to determine the role of this variant in disease. Therefore, it has been classified as a Variant of Uncertain Significance. Algorithms developed to predict the effect of missense changes on protein structure and function (SIFT, PolyPhen-2, Align-GVGD) all suggest that this variant is likely to be tolerated. ClinVar contains an entry for this variant (Variation ID: 449270). This variant has not been reported in the literature in individuals affected with UPF3B-related conditions. This variant is not present in population databases (gnomAD no frequency).

GeneDx
Classification: Uncertain significance. Last evaluated: 2015-10-13. Review status: criteria provided, single submitter. Criteria: GeneDx Variant Classification (06012015). Collection method: clinical testing. Allele origin: germline. Affected: yes.
Comment: The K397E variant in the UPF3B gene has not been published as a pathogenic variant, nor has it been reported as a benign polymorphism to our knowledge. The K397E variant was not observed in approximately 6500 individuals of European and African American ancestry in the NHLBI Exome Sequencing Project, indicating it is not a common benign variant in these populations. The K397E variant is a non-conservative amino acid substitution, which is likely to impact secondary protein structure as these residues differ in polarity, charge, size and/or other properties. This substitution occurs at a position where amino acids with similar properties to Lysine are tolerated across species. In silico analysis is inconsistent in its predictions as to whether or not the variant is damaging to the protein structure/function. We interpret K397E as a variant of uncertain significance.

NM_080632.3(UPF3B):c.1189A>G (p.Lys397Glu)

Gene: UPF3B (UPF3B regulator of nonsense mediated mRNA decay; minus strand). Cytogenetic location: Xq24.
Variant type: single nucleotide variant.
Coding change: c.1189A>G on transcript NM_080632.3 (MANE Select); coding-DNA position 1189, A replaced by G.
Protein change: p.Lys397Glu; replaces lysine 397 with glutamic acid.
Molecular consequence: missense variant.
Genome position (GRCh38, 1-based): chrX:119,837,870, T>C on the plus strand (A>G on the coding strand, the complement: UPF3B is on the minus strand). VCF-style: chrX-119837870-T-C. GRCh37 (hg19) VCF-style: chrX-118971833-T-C.
Other names: c.1150A>G, p.Lys384Glu (NM_023010.4); short protein forms K397E, K384E.
Identifiers: ClinVar variation 449270 (VCV000449270.7), dbSNP rs898086981, ClinGen allele CA334123362.
Genomic context (GRCh38, chrX:119,837,870, plus strand): 5'-CTGAGCTGCCTATTGATTCTGTACTTTCAGCCTTCTTTCCTTTATCCCGAAGTGTGTCTT[T>C]CTCTTTTTTCATTTCTTCTTCTTTTCTCTTAAAAGTCTTCTCTTTCTCATAGCGCTCCTT-3'
Protein context (NP_542199.1, residues 387-407): KRKEEEMKKE[Lys397Glu]DTLRDKGKKA